The following is an entry in ClinVar:

NM_017752.3(TBC1D8B):c.572T>C (p.Leu191Ser)

Gene: TBC1D8B (TBC1 domain family member 8B; plus strand). Cytogenetic location: Xq22.3.
Variant type: single nucleotide variant.
Coding change: c.572T>C on transcript NM_017752.3 (MANE Select); coding-DNA position 572, T replaced by C.
Protein change: p.Leu191Ser; replaces leucine 191 with serine.
Molecular consequence: missense variant.
Genome position (GRCh38, 1-based): chrX:106,822,188, T>C. VCF-style: chrX-106822188-T-C. GRCh37 (hg19) VCF-style: chrX-106065418-T-C.
Other names: c.572T>C, p.Leu191Ser (NM_198881.2); short protein forms L191S.
Identifiers: ClinVar variation 2635874 (VCV002635874.1), dbSNP rs374959449, ClinGen allele CA333039467.

ClinVar aggregate classification (germline): Uncertain significance (1 of 4 stars; one submission).

Conditions:
TBC1D8B-related disorder. Also called: TBC1D8B-related condition.

Allele frequency attached by ClinVar (database versions not stated): gnomAD 0.00001; gnomAD exomes 0.00001; ESP Exome Variant Server 0.00009.
gnomAD v4.1: 6 of 1,199,976 alleles (0.0005%); highest among the groups gnomAD compares: South Asian, 0.0018%; no homozygotes.

Submission:

PreventionGenetics, part of Exact Sciences
Classification: Uncertain significance for TBC1D8B-related condition. Last evaluated: 2022-12-21. Review status: criteria provided, single submitter. Criteria: ACMG Guidelines, 2015. Collection method: clinical testing. Allele origin: germline.
Comment: The TBC1D8B c.572T>C variant is predicted to result in the amino acid substitution p.Leu191Ser. This variant was identified in the hemizygous state by exome sequencing in an individual diagnosed with focal segmental glomerulosclerosis (Milosavljevic et al. 2022. PubMed ID: 36137753). Functional studies indicated the TBC1D8B protein containing the p.Leu191Ser substitution retains at least partial activity (Milosavljevic et al. 2022. PubMed ID: 36137753). This variant has not been reported in a large population database, indicating it is rare. At this time, the clinical significance of this variant is uncertain due to the absence of conclusive functional and genetic evidence.